The following is an entry in ClinVar:

ClinVar aggregate classification (germline): Uncertain significance (1 of 4 stars; one submission).

Conditions:
Duchenne muscular dystrophy (DMD). Also called: MUSCULAR DYSTROPHY, PSEUDOHYPERTROPHIC PROGRESSIVE, DUCHENNE TYPE; Duchenne Muscular Dystrophy (DMD). Identifiers: Orphanet 98896, MedGen C0013264, MONDO:0010679, OMIM 310200.

gnomAD v4.1: 5 of 1,211,427 alleles (0.00041%); highest among the groups gnomAD compares: Non-Finnish European, 0.00045%; no homozygotes.

Submission:

Labcorp Genetics (formerly Invitae), Labcorp
Classification: Uncertain significance for Duchenne muscular dystrophy. Last evaluated: 2023-11-15. Review status: criteria provided, single submitter. Criteria: Invitae Variant Classification Sherloc (09022015). Collection method: clinical testing. Allele origin: germline.
Comment: This sequence change replaces alanine, which is neutral and non-polar, with threonine, which is neutral and polar, at codon 927 of the DMD protein (p.Ala927Thr). The frequency data for this variant in the population databases is considered unreliable, as metrics indicate poor data quality at this position in the gnomAD database. This variant has not been reported in the literature in individuals affected with DMD-related conditions. Advanced modeling of protein sequence and biophysical properties (such as structural, functional, and spatial information, amino acid conservation, physicochemical variation, residue mobility, and thermodynamic stability) performed at Invitae indicates that this missense variant is not expected to disrupt DMD protein function with a negative predictive value of 95%. In summary, the available evidence is currently insufficient to determine the role of this variant in disease. Therefore, it has been classified as a Variant of Uncertain Significance.

NM_004006.3(DMD):c.2779G>A (p.Ala927Thr)

Gene: DMD (dystrophin; minus strand). Cytogenetic location: Xp21.1.
Variant type: single nucleotide variant.
Coding change: c.2779G>A on transcript NM_004006.3 (MANE Select); coding-DNA position 2779, G replaced by A.
Protein change: p.Ala927Thr; replaces alanine 927 with threonine.
Molecular consequence: missense variant.
Genome position (GRCh38, 1-based): chrX:32,484,943, C>T on the plus strand (G>A on the coding strand, the complement: DMD is on the minus strand). VCF-style: chrX-32484943-C-T. GRCh37 (hg19) VCF-style: chrX-32503060-C-T.
Other names: c.2755G>A, p.Ala919Thr (NM_000109.4); c.2767G>A, p.Ala923Thr (NM_004009.3); c.2410G>A, p.Ala804Thr (NM_004010.3); short protein forms A804T, A919T, A927T, A923T.
Identifiers: ClinVar variation 2718290 (VCV002718290.3), dbSNP rs867046331, ClinGen allele CA412670685.